The following is an entry in ClinVar:

ClinVar aggregate classification (germline): Uncertain significance (1 of 4 stars; one submission).

Submission:

CeGaT Center for Human Genetics Tuebingen
Classification: Uncertain significance. Last evaluated: 2025-06-01. Review status: criteria provided, single submitter. Criteria: CeGaT Center For Human Genetics Tuebingen Variant Classification Criteria Version 2. Collection method: clinical testing. Allele origin: germline. Affected: yes. Observed: 1 variant allele.
Comment: NIPBL: PM2

NM_133433.4(NIPBL):c.5863-9TA[5]

Gene: NIPBL (NIPBL cohesin loading factor; plus strand). Cytogenetic location: 5p13.2.
Variant type: Microsatellite.
Coding change: c.5863-9TA[5] on transcript NM_133433.4 (MANE Select); five copies in a row of the 2-base unit TA starting at c.5863-9; the reference has four copies in a row; one copy, 2 bases duplicated.
Molecular consequence: splice acceptor variant.
Genome position (GRCh38, 1-based): chr5:37,036,376-37,036,377, TA duplicated; duplicating any 2 consecutive bases within chr5:37,036,370-37,036,377 gives the same sequence; the position shown is the placement nearest the transcript's 3' end. VCF-style (leftmost placement, unchanged base first): chr5-37036369-G-GTA. GRCh37 (hg19) VCF-style: chr5-37036471-G-GTA.
Other names: c.5863-9TA[5] (NM_001438586.1, NM_015384.5).
Identifiers: ClinVar variation 4085211 (VCV004085211.8).